The following is an entry in ClinVar:

NM_001042492.3(NF1):c.4235G>A (p.Arg1412Lys)

Gene: NF1 (neurofibromin 1; plus strand). Cytogenetic location: 17q11.2.
Variant type: single nucleotide variant.
Coding change: c.4235G>A on transcript NM_001042492.3 (MANE Select); coding-DNA position 4235, G replaced by A.
Protein change: p.Arg1412Lys; replaces arginine 1412 with lysine.
Molecular consequence: missense variant.
Genome position (GRCh38, 1-based): chr17:31,258,405, G>A. VCF-style: chr17-31258405-G-A. GRCh37 (hg19) VCF-style: chr17-29585423-G-A.
Other names: c.4172G>A, p.Arg1391Lys (NM_000267.4); short protein forms R1391K, R1412K.
Identifiers: ClinVar variation 3015589 (VCV003015589.4), dbSNP rs1555618516, ClinGen allele CA398997838.

ClinVar aggregate classification (germline): Likely pathogenic (1 of 4 stars; one submission).
ClinVar aggregate classification (somatic clinical impact): Tier I - Strong (1 of 4 stars; one submission).

Conditions:
Neurofibromatosis, type 1 (NF1). Also called: Peripheral type neurofibromatosis; VON RECKLINGHAUSEN DISEASE; Neurofibromatosis, type I; NEUROFIBROMATOSIS, TYPE I, SOMATIC. Identifiers: Orphanet 636, MedGen C0027831, MONDO:0018975, OMIM 162200. Disease mechanism: loss of function.
Embryonal rhabdomyosarcoma (ERMS). Also called: Botryoid rhabdomyosarcoma (type of ERMS); Spindle cell rhabdomyosarcomas (type of ERMS). Identifiers: Orphanet 99757, MedGen C0206656, MONDO:0009993, HP:0006743.

Submissions (2):

Institute for Genomic Medicine (IGM) Clinical Laboratory, Nationwide Children's Hospital
Classification: Tier I - Strong for Embryonal rhabdomyosarcoma. Assertion type: diagnostic. Clinical significance: supports diagnosis. Last evaluated: 2024-11-07. Review status: criteria provided, single submitter. Criteria: AMP/ASCO/CAP Guidelines, 2017. Collection method: clinical testing. Allele origin: somatic. Affected: yes.
Comment: Variant has Tier I (strong) clinical significance as a diagnostic inclusion criterion in embryonal rhabdomyosarcoma, based on the following evidence: 1) Documented in one or more cancer databases (e.g., St. Jude Pecan, COSMIC, CIViC, OncoKB). 2) Appears in one or more well-established professional guidelines (e.g., World Health Organization [WHO]; National Comprehensive Cancer Network [NCCN]) as providing diagnostic, prognostic, or therapeutic information. 3) Diagnostic for a specific tumor type/classification based on well-powered studies with expert-level consensus (Evidence Level B; PMIDs: 34166060, 24436047, 26138366, 21412928).

Labcorp Genetics (formerly Invitae), Labcorp
Classification: Likely pathogenic for Neurofibromatosis, type 1. Last evaluated: 2023-10-02. Review status: criteria provided, single submitter. Criteria: Invitae Variant Classification Sherloc (09022015). Collection method: clinical testing. Allele origin: germline.
Comment: This sequence change replaces arginine, which is basic and polar, with lysine, which is basic and polar, at codon 1391 of the NF1 protein (p.Arg1391Lys). This variant is not present in population databases (gnomAD no frequency). This missense change has been observed in individual(s) with clinical features of neurofibromatosis type 1 (Invitae). Advanced modeling of protein sequence and biophysical properties (such as structural, functional, and spatial information, amino acid conservation, physicochemical variation, residue mobility, and thermodynamic stability) performed at Invitae indicates that this missense variant is expected to disrupt NF1 protein function. Experimental studies have shown that this missense change affects NF1 function (PMID: 8628317). This variant disrupts the p.Arg1391 amino acid residue in NF1. Other variant(s) that disrupt this residue have been determined to be pathogenic (PMID: 27322474). This suggests that this residue is clinically significant, and that variants that disrupt this residue are likely to be disease-causing. In summary, the currently available evidence indicates that the variant is pathogenic, but additional data are needed to prove that conclusively. Therefore, this variant has been classified as Likely Pathogenic.

Literature cited by the submitters: PubMed 34166060 (cited by Institute for Genomic Medicine (IGM) Clinical Laboratory, Nationwide Children's Hospital); PubMed 24436047 (cited by Institute for Genomic Medicine (IGM) Clinical Laboratory, Nationwide Children's Hospital); PubMed 26138366 (cited by Institute for Genomic Medicine (IGM) Clinical Laboratory, Nationwide Children's Hospital); PubMed 21412928 (cited by Institute for Genomic Medicine (IGM) Clinical Laboratory, Nationwide Children's Hospital); PubMed 8628317 (cited by Labcorp Genetics (formerly Invitae), Labcorp); PubMed 27322474 (cited by Labcorp Genetics (formerly Invitae), Labcorp).